The following is an entry in ClinVar:

ClinVar aggregate classification (germline): Conflicting classifications of pathogenicity. Review status: criteria provided, conflicting classifications (1 of 4 stars). 4 submissions from 4 submitters: Likely pathogenic (1); Uncertain significance (1). 2 of the submissions do not count toward it. Last evaluated 2026-01-13.

Conditions:
Aspartylglucosaminuria (AGU). Also called: Aspartylglucos-aminuria; Aspartylglucos-amidase (AGA) deficiency; AGA DEFICIENCY; GLYCOASPARAGINASE; GLYCOSYLASPARAGINASE DEFICIENCY. Identifiers: Orphanet 93, MedGen C0268225, MONDO:0008830, OMIM 208400, HP:0012068.

Allele frequency attached by ClinVar (database versions not stated): gnomAD exomes below 0.00001 and 0.00001; TOPMed 0.00001.
gnomAD v4.1: 9 of 1,609,646 alleles (0.00056%); highest among the groups gnomAD compares: Non-Finnish European, 0.00068%; no homozygotes.

Submissions (4):

Myriad Genetics, Inc.
Classification: Uncertain significance for Aspartylglucosaminuria. Last evaluated: 2026-01-13. Review status: criteria provided, single submitter. Criteria: Myriad Autosomal Dominant, Autosomal Recessive and X-Linked Classification Criteria (2023). Collection method: clinical testing. Allele origin: unknown.
Comment: NM_000027.3(AGA):c.299G>A(G100E) is a missense variant classified as a variant of uncertain significance in the context of aspartylglucosaminuria. G100E has been observed in a case with relevant disease (PMID: 9137882). Relevant functional assessments of this variant are available in the literature (PMID: 11309371). Internal structural analysis of the variant is supportive of pathogenicity. G100E has been observed in referenced population frequency databases. In summary, there is insufficient evidence to classify NM_000027.3(AGA):c.299G>A(G100E) as pathogenic or benign. Please note: this variant was assessed in the context of healthy population screening.

Fulgent Genetics
Classification: Likely pathogenic for Aspartylglucosaminuria. Last evaluated: 2024-05-17. Review status: criteria provided, single submitter. Criteria: ACMG Guidelines, 2015. Collection method: clinical testing. Allele origin: germline.

Counsyl
Classification: Likely pathogenic for Aspartylglycosaminuria. Last evaluated: 2014-08-18. Review status: no assertion criteria provided. Collection method: literature only. Allele origin: unknown. Inheritance: Autosomal recessive inheritance. Not counted in ClinVar's aggregate classification.

Juha Muilu Group; Institute for Molecular Medicine Finland (FIMM)
Classification: Likely pathogenic for Aspartylglycosaminuria. Review status: no assertion criteria provided. Collection method: not provided. Allele origin: unknown. Not counted in ClinVar's aggregate classification.
Comment: FinDis database variant: This variant was not found or characterized by our laboratory, data were collected from public sources: see reference
ClinVar note: Converted during submission from probable-pathogenic to Likely pathogenic.

Literature cited by the submitters: PubMed 11309371 (cited by Myriad Genetics, Inc. and Counsyl); PubMed 9137882 (cited by Myriad Genetics, Inc. and Counsyl); PubMed 18992224 (cited by Counsyl).

NM_000027.4(AGA):c.299G>A (p.Gly100Glu)

Gene: AGA (aspartylglucosaminidase; minus strand). Cytogenetic location: 4q34.3.
Variant type: single nucleotide variant.
Coding change: c.299G>A on transcript NM_000027.4 (MANE Select); coding-DNA position 299, G replaced by A.
Protein change: p.Gly100Glu; replaces glycine 100 with glutamic acid.
Molecular consequence: missense variant. On other transcripts: non-coding transcript variant (1).
Genome position (GRCh38, 1-based): chr4:177,439,671, C>T on the plus strand (G>A on the coding strand, the complement: AGA is on the minus strand). VCF-style: chr4-177439671-C-T. GRCh37 (hg19) VCF-style: chr4-178360825-C-T.
Other names: c.299G>A, p.Gly100Glu (NM_001171988.2); short protein forms G100E.
Identifiers: ClinVar variation 55940 (VCV000055940.9), dbSNP rs386833421, ClinGen allele CA144015.
Genomic context (GRCh38, chr4:177,439,671, plus strand): 5'-TCCAGTACTTTCCGTGCCACACCAATAGCATTTTTAATTCGTCTGAGATCTCCTACTGCT[C>T]CTACATCCATAGTAGTGCTGCAAGAAAATAGAATGCAGTTAGGAATTAAGGAGTTTTCAG-3'
Protein context (NP_000018.2, residues 90-110): MIMDGTTMDV[Gly100Glu]AVGDLRRIKN